The following is an entry in ClinVar:

ClinVar aggregate classification (germline): Uncertain significance. Review status: criteria provided, multiple submitters, no conflicts (2 of 4 stars). 3 submissions from 3 submitters: Uncertain significance (3). Last evaluated 2024-01-17.

Conditions:
Cardiovascular phenotype. Identifiers: MedGen CN230736.
Walker-Warburg congenital muscular dystrophy. Also called: Muscular dystrophy-dystroglycanopathy, type A; Walker-Warburg syndrome. Identifiers: Orphanet 899, MedGen C0265221, MONDO:0000171.

Allele frequency attached by ClinVar (database versions not stated): ExAC 0.00002; TOPMed 0.00002; gnomAD exomes 0.00003.
gnomAD v4.1: 15 of 1,613,774 alleles (0.00093%); highest among the groups gnomAD compares: South Asian, 0.0055%; no homozygotes.

Submissions (3):

Ambry Genetics
Classification: Uncertain significance for Cardiovascular phenotype. Last evaluated: 2024-01-17. Review status: criteria provided, single submitter. Criteria: Ambry Variant Classification Scheme 2023. Collection method: clinical testing. Allele origin: germline.
Comment: The p.R274Q variant (also known as c.821G>A), located in coding exon 6 of the FKTN gene, results from a G to A substitution at nucleotide position 821. The arginine at codon 274 is replaced by glutamine, an amino acid with highly similar properties. This amino acid position is conserved. In addition, this alteration is predicted to be tolerated by in silico analysis. Based on the available evidence, the clinical significance of this alteration remains unclear.

Labcorp Genetics (formerly Invitae), Labcorp
Classification: Uncertain significance for Walker-Warburg congenital muscular dystrophy. Last evaluated: 2022-07-19. Review status: criteria provided, single submitter. Criteria: Invitae Variant Classification Sherloc (09022015). Collection method: clinical testing. Allele origin: germline.
Comment: This sequence change replaces arginine, which is basic and polar, with glutamine, which is neutral and polar, at codon 274 of the FKTN protein (p.Arg274Gln). This variant is present in population databases (rs767503045, gnomAD 0.01%). This variant has not been reported in the literature in individuals affected with FKTN-related conditions. ClinVar contains an entry for this variant (Variation ID: 1404650). Algorithms developed to predict the effect of missense changes on protein structure and function output the following: SIFT: "Deleterious"; PolyPhen-2: "Benign"; Align-GVGD: "Class C0". The glutamine amino acid residue is found in multiple mammalian species, which suggests that this missense change does not adversely affect protein function. Algorithms developed to predict the effect of sequence changes on RNA splicing suggest that this variant may create or strengthen a splice site. In summary, the available evidence is currently insufficient to determine the role of this variant in disease. Therefore, it has been classified as a Variant of Uncertain Significance.

Revvity Omics, Revvity
Classification: Uncertain significance. Last evaluated: 2019-05-21. Review status: criteria provided, single submitter. Criteria: ACMG Guidelines, 2015. Collection method: clinical testing. Allele origin: germline.

NM_001079802.2(FKTN):c.821G>A (p.Arg274Gln)

Gene: FKTN (fukutin; plus strand). Cytogenetic location: 9q31.2.
Variant type: single nucleotide variant.
Coding change: c.821G>A on transcript NM_001079802.2 (MANE Select); coding-DNA position 821, G replaced by A.
Protein change: p.Arg274Gln; replaces arginine 274 with glutamine.
Molecular consequence: missense variant. On other transcripts: non-coding transcript variant (1).
Genome position (GRCh38, 1-based): chr9:105,615,318, G>A. VCF-style: chr9-105615318-G-A. GRCh37 (hg19) VCF-style: chr9-108377599-G-A.
Other names: c.821G>A (NM_001079802.1); c.821G>A, p.Arg274Gln (NM_001198963.2, NM_001351496.2, NM_001351498.2 and 1 more transcripts); c.752G>A, p.Arg251Gln (NM_001351497.2); c.425G>A, p.Arg142Gln (NM_001351499.2, NM_001351500.2, NM_001351501.2 and 1 more transcripts); short protein forms R142Q, R251Q, R274Q.
Identifiers: ClinVar variation 1404650 (VCV001404650.8), dbSNP rs767503045, ClinGen allele CA5170501.
Genomic context (GRCh38, chr9:105,615,318, plus strand): 5'-ACTATTTATTATATCTGTAGCAGTACCTTGATGATAACACTGTGGAAGCTGTGGCCTTTC[G>A]GAAGAGTGCAAAGGAATTACTGCAACTAGCAGCGAAAACATTAAACAAATTGGGAGTACC-3'
Protein context (NP_001073270.1, residues 264-284): DDNTVEAVAF[Arg274Gln]KSAKELLQLA